The following is an entry in ClinVar:

NM_002241.5(KCNJ10):c.679G>C (p.Glu227Gln)

Gene: KCNJ10 (potassium inwardly rectifying channel subfamily J member 10; minus strand). Cytogenetic location: 1q23.2.
Variant type: single nucleotide variant.
Coding change: c.679G>C on transcript NM_002241.5 (MANE Select); coding-DNA position 679, G replaced by C.
Protein change: p.Glu227Gln; replaces glutamic acid 227 with glutamine.
Molecular consequence: missense variant.
Genome position (GRCh38, 1-based): chr1:160,041,854, C>G on the plus strand (G>C on the coding strand, the complement: KCNJ10 is on the minus strand). VCF-style: chr1-160041854-C-G. GRCh37 (hg19) VCF-style: chr1-160011644-C-G.
Other names: short protein forms E227Q.
Identifiers: ClinVar variation 2153883 (VCV002153883.4), dbSNP rs2525429871, ClinGen allele CA343225957.

ClinVar aggregate classification (germline): Uncertain significance (1 of 4 stars; one submission).

Conditions:
EAST syndrome (SESAMES). Also called: SEIZURES, SENSORINEURAL DEAFNESS, ATAXIA, IMPAIRED INTELLECTUAL DEVELOPMENT, AND ELECTROLYTE IMBALANCE. Identifiers: Orphanet 199343, MedGen C2748572, MONDO:0013005, OMIM 612780.

Submission:

Labcorp Genetics (formerly Invitae), Labcorp
Classification: Uncertain significance for EAST syndrome. Last evaluated: 2024-06-20. Review status: criteria provided, single submitter. Criteria: Invitae Variant Classification Sherloc (09022015). Collection method: clinical testing. Allele origin: germline.
Comment: This sequence change replaces glutamic acid, which is acidic and polar, with glutamine, which is neutral and polar, at codon 227 of the KCNJ10 protein (p.Glu227Gln). This variant is not present in population databases (gnomAD no frequency). This variant has not been reported in the literature in individuals affected with KCNJ10-related conditions. ClinVar contains an entry for this variant (Variation ID: 2153883). Advanced modeling of protein sequence and biophysical properties (such as structural, functional, and spatial information, amino acid conservation, physicochemical variation, residue mobility, and thermodynamic stability) performed at Invitae indicates that this missense variant is not expected to disrupt KCNJ10 protein function with a negative predictive value of 80%. In summary, the available evidence is currently insufficient to determine the role of this variant in disease. Therefore, it has been classified as a Variant of Uncertain Significance.